The following is an entry in ClinVar:

NM_030943.4(AMN):c.56C>T (p.Ala19Val)

Gene: AMN (amnion associated transmembrane protein; plus strand). Cytogenetic location: 14q32.32.
Variant type: single nucleotide variant.
Coding change: c.56C>T on transcript NM_030943.4 (MANE Select); coding-DNA position 56, C replaced by T.
Protein change: p.Ala19Val; replaces alanine 19 with valine.
Molecular consequence: missense variant.
Genome position (GRCh38, 1-based): chr14:102,923,723, C>T. VCF-style: chr14-102923723-C-T. GRCh37 (hg19) VCF-style: chr14-103390060-C-T.
Other names: short protein forms A19V.
Identifiers: ClinVar variation 1052801 (VCV001052801.7), dbSNP rs979571435, ClinGen allele CA267173246.

ClinVar aggregate classification (germline): Uncertain significance (1 of 4 stars; one submission).

Conditions:
Imerslund-Grasbeck syndrome. Also called: Imerslund-Gräsbeck syndrome; ENTEROCYTE COBALAMIN MALABSORPTION; ENTEROCYTE INTRINSIC FACTOR RECEPTOR, DEFECT OF; PERNICIOUS ANEMIA, JUVENILE, DUE TO SELECTIVE INTESTINAL MALABSORPTION OF VITAMIN B12, WITH PROTEINURIA; Megaloblastic anemia due to inborn errors of metabolism. Identifiers: Orphanet 35858, MedGen C4551825, MONDO:0009853.

Allele frequency attached by ClinVar (database versions not stated): gnomAD exomes below 0.00001; TOPMed 0.00001.

Submission:

Labcorp Genetics (formerly Invitae), Labcorp
Classification: Uncertain significance for Imerslund-Grasbeck syndrome. Last evaluated: 2022-10-13. Review status: criteria provided, single submitter. Criteria: Invitae Variant Classification Sherloc (09022015). Collection method: clinical testing. Allele origin: germline.
Comment: This sequence change replaces alanine, which is neutral and non-polar, with valine, which is neutral and non-polar, at codon 19 of the AMN protein (p.Ala19Val). This variant is present in population databases (no rsID available, gnomAD 0.0009%). This variant has not been reported in the literature in individuals affected with AMN-related conditions. ClinVar contains an entry for this variant (Variation ID: 1052801). Advanced modeling of protein sequence and biophysical properties (such as structural, functional, and spatial information, amino acid conservation, physicochemical variation, residue mobility, and thermodynamic stability) performed at Invitae indicates that this missense variant is expected to disrupt AMN protein function. In summary, the available evidence is currently insufficient to determine the role of this variant in disease. Therefore, it has been classified as a Variant of Uncertain Significance.